The following is an entry in ClinVar:

NM_001458.5(FLNC):c.1048-5C>G

Gene: FLNC (filamin C; plus strand). Cytogenetic location: 7q32.1.
Variant type: single nucleotide variant.
Coding change: c.1048-5C>G on transcript NM_001458.5 (MANE Select); 5 bases into the intron before coding-DNA position 1048, C replaced by G.
Molecular consequence: intron variant.
Genome position (GRCh38, 1-based): chr7:128,838,262, C>G. VCF-style: chr7-128838262-C-G. GRCh37 (hg19) VCF-style: chr7-128478316-C-G.
Other names: c.1048-5C>G (NM_001127487.2).
Identifiers: ClinVar variation 1306161 (VCV001306161.2), dbSNP rs2128934382, ClinGen allele CA2573052812.

ClinVar aggregate classification (germline): Uncertain significance (1 of 4 stars; one submission).

Submission:

GeneDx
Classification: Uncertain significance. Last evaluated: 2019-05-24. Review status: criteria provided, single submitter. Criteria: GeneDx Variant Classification Process June 2021. Collection method: clinical testing. Allele origin: germline. Affected: yes.
Comment: Has not been previously published as pathogenic or benign to our knowledge; Not observed in large population cohorts (Lek et al., 2016); In silico analysis, which includes splice predictors and evolutionary conservation, supports a deleterious effect; In the absence of RNA/functional studies, the actual effect of this sequence change is unknown